The following is an entry in ClinVar:

NM_000057.4(BLM):c.1255A>T (p.Ser419Cys)

Gene: BLM (BLM RecQ like helicase; plus strand). Cytogenetic location: 15q26.1.
Variant type: single nucleotide variant.
Coding change: c.1255A>T on transcript NM_000057.4 (MANE Select); coding-DNA position 1255, A replaced by T.
Protein change: p.Ser419Cys; replaces serine 419 with cysteine.
Molecular consequence: missense variant.
Genome position (GRCh38, 1-based): chr15:90,760,628, A>T. VCF-style: chr15-90760628-A-T. GRCh37 (hg19) VCF-style: chr15-91303858-A-T.
Other names: c.1255A>T, p.Ser419Cys (NM_001287246.2, NM_001287247.2); c.130A>T, p.Ser44Cys (NM_001287248.2); short protein forms S419C, S44C.
Identifiers: ClinVar variation 2586890 (VCV002586890.2), dbSNP rs2505424051, ClinGen allele CA393842665.

ClinVar aggregate classification (germline): Uncertain significance (1 of 4 stars; one submission).

Conditions:
Hereditary cancer-predisposing syndrome. Also called: Hereditary neoplastic syndrome; Tumor predisposition; Hereditary Cancer Syndrome; Neoplastic Syndromes, Hereditary. Identifiers: Orphanet 140162, MedGen C0027672, MeSH D009386, MONDO:0015356.

Submission:

Ambry Genetics
Classification: Uncertain significance for Hereditary cancer-predisposing syndrome. Last evaluated: 2023-07-29. Review status: criteria provided, single submitter. Criteria: Ambry Variant Classification Scheme 2023. Collection method: clinical testing. Allele origin: germline.
Comment: The p.S419C variant (also known as c.1255A>T), located in coding exon 6 of the BLM gene, results from an A to T substitution at nucleotide position 1255. The serine at codon 419 is replaced by cysteine, an amino acid with dissimilar properties. This amino acid position is conserved. In addition, this alteration is predicted to be tolerated by in silico analysis. Since supporting evidence is limited at this time, the clinical significance of this alteration remains unclear.